The following is an entry in ClinVar:

ClinVar aggregate classification (germline): Uncertain significance. Review status: criteria provided, multiple submitters, no conflicts (2 of 4 stars). 2 submissions from 2 submitters: Uncertain significance (2). Last evaluated 2026-01-02.

Allele frequency attached by ClinVar (database versions not stated): ExAC 0.00005; 1000 Genomes Project 0.00020; 1000 Genomes Project 30x 0.00031.
gnomAD v4.1: 120 of 1,596,524 alleles (0.0075%); highest among the groups gnomAD compares: Admixed American, 0.042%; 1 homozygote.

Submissions (2):

Labcorp Genetics (formerly Invitae), Labcorp
Classification: Uncertain significance. Last evaluated: 2026-01-02. Review status: criteria provided, single submitter. Criteria: Invitae Variant Classification Sherloc (09022015). Collection method: clinical testing. Allele origin: germline.
Comment: This sequence change replaces glutamic acid, which is acidic and polar, with glutamine, which is neutral and polar, at codon 677 of the CEP89 protein (p.Glu677Gln). This variant is present in population databases (rs45470694, gnomAD 0.03%). This variant has not been reported in the literature in individuals affected with CEP89-related conditions. ClinVar contains an entry for this variant (Variation ID: 1432083). An algorithm developed to predict the effect of missense changes on protein structure and function (PolyPhen-2) suggests that this variant is likely to be tolerated. In summary, the available evidence is currently insufficient to determine the role of this variant in disease. Therefore, it has been classified as a Variant of Uncertain Significance.

Ambry Genetics
Classification: Uncertain significance. Last evaluated: 2025-12-04. Review status: criteria provided, single submitter. Criteria: Ambry Variant Classification Scheme 2023. Collection method: clinical testing. Allele origin: germline.

NM_032816.5(CEP89):c.2029G>C (p.Glu677Gln)

Gene: CEP89 (centrosomal protein 89; minus strand). Cytogenetic location: 19q13.11.
Variant type: single nucleotide variant.
Coding change: c.2029G>C on transcript NM_032816.5 (MANE Select); coding-DNA position 2029, G replaced by C.
Protein change: p.Glu677Gln; replaces glutamic acid 677 with glutamine.
Molecular consequence: missense variant.
Genome position (GRCh38, 1-based): chr19:32,881,950, C>G on the plus strand (G>C on the coding strand, the complement: CEP89 is on the minus strand). VCF-style: chr19-32881950-C-G. GRCh37 (hg19) VCF-style: chr19-33372856-C-G.
Other names: c.2029G>C (NM_032816.3); short protein forms E677Q.
Identifiers: ClinVar variation 1432083 (VCV001432083.8), dbSNP rs45470694, ClinGen allele CA9359106.